The following is an entry in ClinVar:

NM_015570.4(AUTS2):c.2363A>C (p.Asn788Thr)

Gene: AUTS2 (activator of transcription and developmental regulator AUTS2; plus strand). Cytogenetic location: 7q11.22.
Variant type: single nucleotide variant.
Coding change: c.2363A>C on transcript NM_015570.4 (MANE Select); coding-DNA position 2363, A replaced by C.
Protein change: p.Asn788Thr; replaces asparagine 788 with threonine.
Molecular consequence: missense variant.
Genome position (GRCh38, 1-based): chr7:70,787,263, A>C. VCF-style: chr7-70787263-A-C. GRCh37 (hg19) VCF-style: chr7-70252249-A-C.
Other names: c.2291A>C, p.Asn764Thr (NM_001127231.3); short protein forms N764T, N788T.
Identifiers: ClinVar variation 1327902 (VCV001327902.2), dbSNP rs752606916, ClinGen allele CA4281047.

ClinVar aggregate classification (germline): Uncertain significance (1 of 4 stars; one submission).

Allele frequency attached by ClinVar (database versions not stated): gnomAD exomes below 0.00001 and 0.00001; gnomAD 0.00001; TOPMed 0.00001; ExAC 0.00002.
gnomAD v4.1: 3 of 1,614,002 alleles (0.00019%); highest among the groups gnomAD compares: Admixed American, 0.005%; no homozygotes.

Submission:

GeneDx
Classification: Uncertain significance. Last evaluated: 2021-06-09. Review status: criteria provided, single submitter. Criteria: GeneDx Variant Classification Process June 2021. Collection method: clinical testing. Allele origin: germline. Affected: yes.
Comment: Has not been previously published as pathogenic or benign to our knowledge; Missense variant in a gene in which most reported pathogenic variants are truncating/loss-of-function; In silico analysis supports that this missense variant has a deleterious effect on protein structure/function; This variant is associated with the following publications: (PMID: 27535533)